The following is an entry in ClinVar:

ClinVar aggregate classification (germline): Pathogenic. Review status: criteria provided, multiple submitters, no conflicts (2 of 4 stars). 2 submissions from 2 submitters: Pathogenic (2). Last evaluated 2025-03-31.

Conditions:
HADHA-related disorder. Also called: HADHA-related disorders; HADHA-related condition.
Long chain 3-hydroxyacyl-CoA dehydrogenase deficiency. Also called: Deficiency of long-chain 3-hydroxyacyl-coenzyme A dehydrogenase; LCHAD Deficiency. Identifiers: Orphanet 5, MedGen C3711645, MONDO:0012173, OMIM 609016.
Mitochondrial trifunctional protein deficiency. Identifiers: Orphanet 746, MedGen C1969443, MONDO:0012172.

Allele frequency attached by ClinVar (database versions not stated): gnomAD exomes below 0.00001; ExAC 0.00001.

Submissions (2):

PreventionGenetics, part of Exact Sciences
Classification: Pathogenic for HADHA-related condition. Last evaluated: 2025-03-31. Review status: criteria provided, single submitter. Criteria: ACMG Guidelines, 2015. Collection method: clinical testing. Allele origin: germline.
Comment: The HADHA c.1523delT variant is predicted to result in a frameshift and premature protein termination (p.Leu508Argfs*19). This variant has not been reported in the literature. This variant is reported in 0.00088% of alleles in individuals of European (Non-Finnish) descent in gnomAD. Frameshift variants in HADHA are expected to be pathogenic. This variant is interpreted as pathogenic.

Labcorp Genetics (formerly Invitae), Labcorp
Classification: Pathogenic for Mitochondrial trifunctional protein deficiency; Long chain 3-hydroxyacyl-CoA dehydrogenase deficiency. Last evaluated: 2023-08-18. Review status: criteria provided, single submitter. Criteria: Invitae Variant Classification Sherloc (09022015). Collection method: clinical testing. Allele origin: germline.
Comment: For these reasons, this variant has been classified as Pathogenic. ClinVar contains an entry for this variant (Variation ID: 1069908). This variant has not been reported in the literature in individuals affected with HADHA-related conditions. This variant is present in population databases (rs754145990, gnomAD 0.0009%). This sequence change creates a premature translational stop signal (p.Leu508Argfs*19) in the HADHA gene. It is expected to result in an absent or disrupted protein product. Loss-of-function variants in HADHA are known to be pathogenic (PMID: 7738175, 21103935, 21549624, 22459206).

Literature cited by the submitters: PubMed 7738175 (cited by Labcorp Genetics (formerly Invitae), Labcorp); PubMed 21103935 (cited by Labcorp Genetics (formerly Invitae), Labcorp); PubMed 21549624 (cited by Labcorp Genetics (formerly Invitae), Labcorp); PubMed 22459206 (cited by Labcorp Genetics (formerly Invitae), Labcorp).

NM_000182.5(HADHA):c.1523del (p.Leu508fs)

Genes: GAREM2 (GRB2 associated regulator of MAPK1 subtype 2; plus strand), HADHA (hydroxyacyl-CoA dehydrogenase trifunctional multienzyme complex subunit alpha; minus strand). Cytogenetic location: 2p23.3.
Variant type: Deletion.
Coding change: c.1523del on transcript NM_000182.5 (MANE Select); coding-DNA position 1523, one base deleted (T; older notation c.1523delT).
Protein change: p.Leu508fs; shifts the reading frame from leucine 508.
Molecular consequence: frameshift variant.
Genome position (GRCh38, 1-based): chr2:26,195,189, A deleted on the plus strand (T on the coding strand, the reverse complement: HADHA is on the minus strand). VCF-style (leftmost placement, unchanged base first): chr2-26195188-CA-C. GRCh37 (hg19) VCF-style: chr2-26418057-CA-C.
Other names: c.1523delT (NM_000182.4); short protein forms L508fs.
Identifiers: ClinVar variation 1069908 (VCV001069908.13), dbSNP rs754145990, ClinGen allele CA1559539.